The following is an entry in ClinVar:

NM_000051.4(ATM):c.2080C>A (p.Leu694Ile)

Gene: ATM (ATM serine/threonine kinase; plus strand). Cytogenetic location: 11q22.3.
Variant type: single nucleotide variant.
Coding change: c.2080C>A on transcript NM_000051.4 (MANE Select); coding-DNA position 2080, C replaced by A.
Protein change: p.Leu694Ile; replaces leucine 694 with isoleucine.
Molecular consequence: missense variant.
Genome position (GRCh38, 1-based): chr11:108,253,995, C>A. VCF-style: chr11-108253995-C-A. GRCh37 (hg19) VCF-style: chr11-108124722-C-A.
Other names: c.2080C>A, p.Leu694Ile (NM_001351834.2); short protein forms L694I.
Identifiers: ClinVar variation 2774208 (VCV002774208.2), dbSNP rs759617968, ClinGen allele CA382537570.

ClinVar aggregate classification (germline): Uncertain significance (1 of 4 stars; one submission).

Conditions:
Hereditary cancer-predisposing syndrome. Also called: Hereditary neoplastic syndrome; Hereditary Cancer Syndrome; Neoplastic Syndromes, Hereditary; Tumor predisposition. Identifiers: Orphanet 140162, MedGen C0027672, MeSH D009386, MONDO:0015356.

gnomAD v4.1: 1 of 1,613,972 alleles (0.000062%); highest among the groups gnomAD compares: Admixed American, 0.0017%; no homozygotes.

Submission:

Color Diagnostics, LLC DBA Color Health
Classification: Uncertain significance for Hereditary cancer-predisposing syndrome. Last evaluated: 2022-09-26. Review status: criteria provided, single submitter. Criteria: ACMG Guidelines, 2015. Collection method: clinical testing. Allele origin: germline.
Comment: This missense variant replaces leucine with isoleucine at codon 694 of the ATM protein. Computational prediction suggests that this variant may not impact protein structure and function (internally defined REVEL score threshold <= 0.5, PMID: 27666373). To our knowledge, functional studies have not been reported for this variant. This variant has not been reported in individuals affected with hereditary cancer in the literature. This variant has not been identified in the general population by the Genome Aggregation Database (gnomAD). The available evidence is insufficient to determine the role of this variant in disease conclusively. Therefore, this variant is classified as a Variant of Uncertain Significance.